The following is an entry in ClinVar:

ClinVar aggregate classification (germline): Uncertain significance (1 of 4 stars; one submission).

Conditions:
Hereditary cancer-predisposing syndrome. Also called: Neoplastic Syndromes, Hereditary; Tumor predisposition; Hereditary Cancer Syndrome; Hereditary neoplastic syndrome. Identifiers: Orphanet 140162, MedGen C0027672, MeSH D009386, MONDO:0015356.

Submission:

Ambry Genetics
Classification: Uncertain significance for Hereditary cancer-predisposing syndrome. Last evaluated: 2026-07-09. Review status: criteria provided, single submitter. Criteria: Ambry Variant Classification Scheme 2023. Collection method: clinical testing. Allele origin: germline.
Comment: The p.E483K variant (also known as c.1447G>A), located in coding exon 14 of the TSC2 gene, results from a G to A substitution at nucleotide position 1447. The glutamic acid at codon 483 is replaced by lysine, an amino acid with similar properties. This amino acid position is conserved. In addition, this alteration is predicted to be deleterious by in silico analysis. Based on the available evidence, the clinical significance of this variant remains unclear.

NM_000548.5(TSC2):c.1447G>A (p.Glu483Lys)

Gene: TSC2 (TSC complex subunit 2; plus strand). Cytogenetic location: 16p13.3.
Variant type: single nucleotide variant.
Coding change: c.1447G>A on transcript NM_000548.5 (MANE Select); coding-DNA position 1447, G replaced by A.
Protein change: p.Glu483Lys; replaces glutamic acid 483 with lysine.
Molecular consequence: missense variant. On other transcripts: 5 prime UTR variant (1), non-coding transcript variant (5).
Genome position (GRCh38, 1-based): chr16:2,064,275, G>A. VCF-style: chr16-2064275-G-A. GRCh37 (hg19) VCF-style: chr16-2114276-G-A.
Other names: c.985G>A, p.Glu329Lys (NM_001406681.1); c.847G>A, p.Glu283Lys (NM_001406682.1, NM_001406683.1, NM_001406684.1 and 6 more transcripts); c.103G>A, p.Glu35Lys (NM_001406689.1, NM_001406690.1, NM_001406691.1 and 6 more transcripts); c.-156G>A (NM_001406698.1); c.1447G>A, p.Glu483Lys (NM_021055.3, NM_001077183.3, NM_001114382.3 and 6 more transcripts); c.1336G>A, p.Glu446Lys (NM_001318827.2, NM_001406670.1, NM_001406678.1); c.1300G>A, p.Glu434Lys (NM_001318829.2, NM_001406675.1, NM_001406676.1 and 1 more transcripts); c.1480G>A, p.Glu494Lys (NM_001318832.2); and 3 more; short protein forms E283K, E494K, E464K, E434K, E446K, E513K, E329K, E35K.
Identifiers: ClinVar variation 4842418 (VCV004842418.2).